The following is an entry in ClinVar:

ClinVar aggregate classification (germline): Benign (1 of 4 stars; one submission).

Conditions:
Autosomal recessive nonsyndromic hearing loss 67. Identifiers: Orphanet 90636, MedGen C1853223, MONDO:0012460, OMIM 610265.

Allele frequency attached by ClinVar (database versions not stated): gnomAD exomes 0.01923; 1000 Genomes Project 0.07288; gnomAD 0.07731; 1000 Genomes Project 30x 0.08042; TOPMed 0.08317.
gnomAD v4.1: 10,800 of 151,552 alleles (7.1%); highest among the groups gnomAD compares: African/African-American, 23%; 1,150 homozygotes.

Submission:

Illumina Laboratory Services, Illumina
Classification: Benign for Autosomal recessive nonsyndromic hearing loss 67. Last evaluated: 2018-01-12. Review status: criteria provided, single submitter. Criteria: ICSL Variant Classification Criteria 13 December 2019. Collection method: clinical testing. Allele origin: germline.
Comment: This variant was observed in the ICSL laboratory as part of a predisposition screen in an ostensibly healthy population. It had not been previously curated by ICSL or reported in the Human Gene Mutation Database (HGMD: prior to June 1st, 2018), and was therefore a candidate for classification through an automated scoring system. Utilizing variant allele frequency, disease prevalence and penetrance estimates, and inheritance mode, an automated score was calculated to assess if this variant is too frequent to cause the disease. Based on the score and internal cut-off values, a variant classified as benign is not then subjected to further curation. The score for this variant resulted in a classification of benign for this disease.

NM_182548.4(LHFPL5):c.*345G>A

Gene: LHFPL5 (LHFPL tetraspan subfamily member 5; plus strand). Cytogenetic location: 6p21.31.
Variant type: single nucleotide variant.
Coding change: c.*345G>A on transcript NM_182548.4 (MANE Select); 345 bases downstream of the stop codon, G replaced by A.
Molecular consequence: 3 prime UTR variant.
Genome position (GRCh38, 1-based): chr6:35,823,310, G>A. VCF-style: chr6-35823310-G-A. GRCh37 (hg19) VCF-style: chr6-35791087-G-A.
Identifiers: ClinVar variation 356496 (VCV000356496.5), dbSNP rs2766530, ClinGen allele CA10626540.